The following is an entry in ClinVar:

ClinVar aggregate classification (germline): Uncertain significance (1 of 4 stars; one submission).

Allele frequency attached by ClinVar (database versions not stated): gnomAD exomes below 0.00001.
gnomAD v4.1: 1 of 1,614,230 alleles (0.000062%); highest among the groups gnomAD compares: Non-Finnish European, 0.000085%; no homozygotes.

Submission:

Labcorp Genetics (formerly Invitae), Labcorp
Classification: Uncertain significance. Last evaluated: 2022-01-08. Review status: criteria provided, single submitter. Criteria: Invitae Variant Classification Sherloc (09022015). Collection method: clinical testing. Allele origin: germline.
Comment: In summary, the available evidence is currently insufficient to determine the role of this variant in disease. Therefore, it has been classified as a Variant of Uncertain Significance. Algorithms developed to predict the effect of missense changes on protein structure and function are either unavailable or do not agree on the potential impact of this missense change (SIFT: "Deleterious"; PolyPhen-2: "Possibly Damaging"; Align-GVGD: "Class C0"). This variant has not been reported in the literature in individuals affected with DSCAML1-related conditions. This variant is not present in population databases (gnomAD no frequency). This sequence change replaces glutamic acid, which is acidic and polar, with lysine, which is basic and polar, at codon 555 of the DSCAML1 protein (p.Glu555Lys).

NM_020693.4(DSCAML1):c.1483G>A (p.Glu495Lys)

Gene: DSCAML1 (DS cell adhesion molecule like 1; minus strand). Cytogenetic location: 11q23.3.
Variant type: single nucleotide variant.
Coding change: c.1483G>A on transcript NM_020693.4 (MANE Select); coding-DNA position 1483, G replaced by A.
Protein change: p.Glu495Lys; replaces glutamic acid 495 with lysine.
Molecular consequence: missense variant.
Genome position (GRCh38, 1-based): chr11:117,518,493, C>T on the plus strand (G>A on the coding strand, the complement: DSCAML1 is on the minus strand). VCF-style: chr11-117518493-C-T. GRCh37 (hg19) VCF-style: chr11-117389208-C-T.
Other names: c.1483G>A, p.Glu495Lys (NM_001367904.1); c.1075G>A, p.Glu359Lys (NM_001367905.1); short protein forms E359K, E495K.
Identifiers: ClinVar variation 2192455 (VCV002192455.4), dbSNP rs2543264455, ClinGen allele CA382745389.